The following is an entry in ClinVar:

NM_000215.4(JAK3):c.1255-1G>A

Gene: JAK3 (Janus kinase 3; minus strand). Cytogenetic location: 19p13.11.
Variant type: single nucleotide variant.
Coding change: c.1255-1G>A on transcript NM_000215.4 (MANE Select); the canonical splice acceptor site of the intron before coding-DNA position 1255, G replaced by A.
Molecular consequence: splice acceptor variant.
Genome position (GRCh38, 1-based): chr19:17,839,664, C>T on the plus strand (G>A on the coding strand, the complement: JAK3 is on the minus strand). VCF-style: chr19-17839664-C-T. GRCh37 (hg19) VCF-style: chr19-17950473-C-T.
Identifiers: ClinVar variation 3018489 (VCV003018489.3), dbSNP rs1315983507, ClinGen allele CA404770500.
Genomic context (GRCh38, chr19:17,839,664, plus strand): 5'-GAAGGTTCCTGTGGGGCTGCGCCGGATGAGGCAGCCCTTATAATCAGGACCAAGGGGGTT[C>T]TGCAAAGAAGAGTGGCCCCTGAGTGGGACTGAGCGACAGACACTCTCCTTCTCAGTCCTT-3'

ClinVar aggregate classification (germline): Pathogenic (1 of 4 stars; one submission).

Conditions:
T-B+ severe combined immunodeficiency due to JAK3 deficiency. Also called: SCID, T CELL-NEGATIVE, B CELL-POSITIVE, NK CELL-NEGATIVE; SCID, autosomal recessive, T-negative/B-positive type. Identifiers: Orphanet 35078, MedGen C1833275, MONDO:0010938, OMIM 600802.

Submission:

Labcorp Genetics (formerly Invitae), Labcorp
Classification: Pathogenic for T-B+ severe combined immunodeficiency due to JAK3 deficiency. Last evaluated: 2023-05-11. Review status: criteria provided, single submitter. Criteria: Invitae Variant Classification Sherloc (09022015). Collection method: clinical testing. Allele origin: germline.
Comment: For these reasons, this variant has been classified as Pathogenic. Algorithms developed to predict the effect of sequence changes on RNA splicing suggest that this variant may disrupt the consensus splice site. Disruption of this splice site has been observed in individual(s) with T-B+NK- severe combined immunodeficiency (Invitae). This variant is not present in population databases (gnomAD no frequency). This sequence change affects an acceptor splice site in intron 9 of the JAK3 gene. It is expected to disrupt RNA splicing. Variants that disrupt the donor or acceptor splice site typically lead to a loss of protein function (PMID: 16199547), and loss-of-function variants in JAK3 are known to be pathogenic (PMID: 7481768, 11668621).

Literature cited by the submitters: PubMed 16199547; PubMed 7481768; PubMed 11668621.